The following is an entry in ClinVar:

NM_012309.5(SHANK2):c.4345C>T (p.Pro1449Ser)

Gene: SHANK2 (SH3 and multiple ankyrin repeat domains 2; minus strand). Cytogenetic location: 11q13.3.
Variant type: single nucleotide variant.
Coding change: c.4345C>T on transcript NM_012309.5 (MANE Select); coding-DNA position 4345, C replaced by T.
Protein change: p.Pro1449Ser; replaces proline 1449 with serine.
Molecular consequence: missense variant.
Genome position (GRCh38, 1-based): chr11:70,485,948, G>A on the plus strand (C>T on the coding strand, the complement: SHANK2 is on the minus strand). VCF-style: chr11-70485948-G-A. GRCh37 (hg19) VCF-style: chr11-70332053-G-A.
Other names: c.3208C>T, p.Pro1070Ser (NM_001379226.1); c.4465C>T, p.Pro1489Ser (NM_001441024.1); c.4294C>T, p.Pro1432Ser (NM_001441025.1, NM_001441026.1, NM_001441027.1 and 8 more transcripts); c.4267C>T, p.Pro1423Ser (NM_001441035.1, NM_001441036.1, NM_001441037.1); c.4222C>T, p.Pro1408Ser (NM_001441038.1); c.3178C>T, p.Pro1060Ser (NM_001441040.1); c.3130C>T, p.Pro1044Ser (NM_001441041.1); c.2572C>T, p.Pro858Ser (NM_001441042.1); and 6 more; short protein forms P851S, P1423S, P1432S, P1449S, P844S, P861S, P1044S, P1060S.
Identifiers: ClinVar variation 4983424 (VCV004983424.1).

ClinVar aggregate classification (germline): Uncertain significance (1 of 4 stars; one submission).

Conditions:
SHANK2-related disorder.

Submission:

PreventionGenetics, part of Exact Sciences
Classification: Uncertain significance for SHANK2-related condition. Last evaluated: 2026-08-21. Review status: criteria provided, single submitter. Criteria: ACMG Guidelines, 2015. Collection method: clinical testing. Allele origin: germline.
Comment: The SHANK2 c.4345C>T variant is predicted to result in the amino acid substitution p.Pro1449Ser. To our knowledge, this variant has not been reported in the literature or in a large population database (gnomAD), indicating this variant is rare. At this time, the clinical significance of this variant is uncertain due to the absence of conclusive functional and genetic evidence.